The following is an entry in ClinVar:

NM_000138.5(FBN1):c.609_630del (p.Cys204fs)

Gene: FBN1 (fibrillin 1; minus strand). Cytogenetic location: 15q21.1.
Variant type: Deletion.
Coding change: c.609_630del on transcript NM_000138.5 (MANE Select); coding-DNA positions 609 to 630, 22 bases deleted (CTGCACAAAAACGCTCTGCTGT).
Protein change: p.Cys204fs; shifts the reading frame from cysteine 204.
Molecular consequence: frameshift variant.
Genome position (GRCh38, 1-based): chr15:48,537,717-48,537,738, ACAGCAGAGCGTTTTTGTGCAG deleted on the plus strand (CTGCACAAAAACGCTCTGCTGT on the coding strand, the reverse complement: FBN1 is on the minus strand); deleting any 22 consecutive bases within chr15:48,537,717-48,537,741 gives the same sequence; the c. name uses the placement nearest the transcript's 3' end. VCF-style (leftmost placement, unchanged base first): chr15-48537716-CACAGCAGAGCGTTTTTGTGCAG-C. GRCh37 (hg19) VCF-style: chr15-48829913-CACAGCAGAGCGTTTTTGTGCAG-C.
Other names: c.609_630del, p.Cys204fs (NM_001406716.1, NM_001406717.1); short protein forms C204fs.
Identifiers: ClinVar variation 2945251 (VCV002945251.3), dbSNP rs2505661421, ClinGen allele CA2740096694.

ClinVar aggregate classification (germline): Pathogenic (1 of 4 stars; one submission).

Conditions:
Marfan syndrome (MFS). Also called: MARFAN SYNDROME, TYPE I; Marfan syndrome type 1; Marfan's syndrome; Marfan syndrome, classic; FBN1-Related Marfan Syndrome. Identifiers: Orphanet 284963, Orphanet 558, MedGen C0024796, MONDO:0007947, OMIM 154700.
Familial thoracic aortic aneurysm and aortic dissection (TAAD). Also called: Thoracic aortic aneurysms and dissections. Identifiers: Orphanet 91387, MedGen C4707243, MONDO:0019625.

Submission:

Labcorp Genetics (formerly Invitae), Labcorp
Classification: Pathogenic for Marfan syndrome; Familial thoracic aortic aneurysm and aortic dissection. Last evaluated: 2023-03-13. Review status: criteria provided, single submitter. Criteria: Invitae Variant Classification Sherloc (09022015). Collection method: clinical testing. Allele origin: germline.
Comment: For these reasons, this variant has been classified as Pathogenic. This variant has not been reported in the literature in individuals affected with FBN1-related conditions. This variant is not present in population databases (gnomAD no frequency). This sequence change creates a premature translational stop signal (p.Cys204Profs*119) in the FBN1 gene. It is expected to result in an absent or disrupted protein product. Loss-of-function variants in FBN1 are known to be pathogenic (PMID: 17657824, 19293843).

Literature cited by the submitters: PubMed 17657824; PubMed 19293843.